The following is an entry in ClinVar:

NM_001278669.2(NFATC1):c.267C>T (p.Tyr89=)

Gene: NFATC1 (nuclear factor of activated T cells 1; plus strand). Cytogenetic location: 18q23.
Variant type: single nucleotide variant.
Coding change: c.267C>T on transcript NM_001278669.2 (MANE Select); coding-DNA position 267, C replaced by T.
Protein change: p.Tyr89=; no amino-acid change (tyrosine 89 retained).
Molecular consequence: synonymous variant. On other transcripts: intron variant (2).
Genome position (GRCh38, 1-based): chr18:79,410,542, C>T. VCF-style: chr18-79410542-C-T. GRCh37 (hg19) VCF-style: chr18-77170542-C-T.
Other names: c.267C>T, p.Tyr89= (NM_001278670.2, NM_006162.5, NM_172390.3); c.228C>T, p.Tyr76= (NM_001278672.2, NM_001278675.2, NM_172387.3 and 1 more transcripts); c.-191+14191C>T (NM_172388.3); c.-191+10063C>T (NM_001278673.2); c.267C>T (NM_001278669.1).
Identifiers: ClinVar variation 1600213 (VCV001600213.11), dbSNP rs55863211, ClinGen allele CA9008790.

ClinVar aggregate classification (germline): Benign. Review status: criteria provided, multiple submitters, no conflicts (2 of 4 stars). 3 submissions from 3 submitters: Benign (2). 1 of the submissions does not count toward it. Last evaluated 2026-01-11.

Conditions:
NFATC1-related disorder. Also called: NFATC1-related condition.

Allele frequency attached by ClinVar (database versions not stated): 1000 Genomes Project 30x 0.01156; 1000 Genomes Project 0.01178; TOPMed 0.02343; gnomAD 0.02690 and 0.02716; ExAC 0.02929; gnomAD exomes 0.03640 and 0.02844; ESP Exome Variant Server 0.02822.
gnomAD v4.1: 56,964 of 1,611,632 alleles (3.5%); highest among the groups gnomAD compares: Non-Finnish European, 4.1%; 1,165 homozygotes.

Submissions (3):

Labcorp Genetics (formerly Invitae), Labcorp
Classification: Benign. Last evaluated: 2026-01-11. Review status: criteria provided, single submitter. Criteria: Invitae Variant Classification Sherloc (09022015). Collection method: clinical testing. Allele origin: germline.

Breakthrough Genomics
Classification: Benign. Review status: criteria provided, single submitter. Criteria: ACMG Guidelines, 2015. Collection method: not provided. Allele origin: germline. Inheritance: Unknown mechanism. Affected: yes.

PreventionGenetics, part of Exact Sciences
Classification: Benign for NFATC1-related condition. Last evaluated: 2019-10-21. Review status: no assertion criteria provided. Collection method: clinical testing. Allele origin: germline. Not counted in ClinVar's aggregate classification.
Comment: This variant is classified as benign based on ACMG/AMP sequence variant interpretation guidelines (Richards et al. 2015 PMID: 25741868, with internal and published modifications).